The following is an entry in ClinVar:

ClinVar aggregate classification (germline): Pathogenic (1 of 4 stars; one submission).

gnomAD v4.1: 3 of 1,613,988 alleles (0.00019%); highest among the groups gnomAD compares: Non-Finnish European, 0.00025%; no homozygotes.

Submission:

Labcorp Genetics (formerly Invitae), Labcorp
Classification: Pathogenic. Last evaluated: 2025-11-10. Review status: criteria provided, single submitter. Criteria: Invitae Variant Classification Sherloc (09022015). Collection method: clinical testing. Allele origin: germline.
Comment: This sequence change creates a premature translational stop signal (p.Gln81*) in the EYS gene. It is expected to result in an absent or disrupted protein product. Loss-of-function variants in EYS are known to be pathogenic (PMID: 18836446, 20333770). This variant is not present in population databases (gnomAD no frequency). This variant has not been reported in the literature in individuals affected with EYS-related conditions. For these reasons, this variant has been classified as Pathogenic.

Literature cited by the submitters: PubMed 18836446; PubMed 20333770.

NM_001142800.2(EYS):c.241C>T (p.Gln81Ter)

Gene: EYS (EGF-like photoreceptor maintenance factor; minus strand). Cytogenetic location: 6q12.
Variant type: single nucleotide variant.
Coding change: c.241C>T on transcript NM_001142800.2 (MANE Select); coding-DNA position 241, C replaced by T.
Protein change: p.Gln81Ter; replaces glutamine 81 with a stop codon.
Molecular consequence: nonsense.
Genome position (GRCh38, 1-based): chr6:65,495,170, G>A on the plus strand (C>T on the coding strand, the complement: EYS is on the minus strand). VCF-style: chr6-65495170-G-A. GRCh37 (hg19) VCF-style: chr6-66205063-G-A.
Other names: c.241C>T, p.Gln81Ter (NM_001142801.2, NM_001292009.2, NM_198283.2); short protein forms Q81*.
Identifiers: ClinVar variation 4730899 (VCV004730899.1).
Genomic context (GRCh38, chr6:65,495,170, plus strand): 5'-TTTCTGGAAATTGAAGAGATGGTTCAGAAGAAATTACAAGGATATCTCCTAATTGAATTT[G>A]CAAAGGGCAAATCTGGGGAACAGCTTGATTGCCTGAAGTATCTATTTTAGTGTTTACACC-3'